The following is an entry in ClinVar:

NM_006035.4(CDC42BPB):c.1585_1593del (p.Arg529_Leu531del)

Gene: CDC42BPB (CDC42 binding protein kinase beta; minus strand). Cytogenetic location: 14q32.32.
Variant type: Deletion.
Coding change: c.1585_1593del on transcript NM_006035.4 (MANE Select); coding-DNA positions 1585 to 1593, 9 bases deleted (CGGGGGCTG; older notation c.1585_1593delCGGGGGCTG).
Protein change: p.Arg529_Leu531del.
Molecular consequence: inframe deletion. On other transcripts: inframe indel (1).
Genome position (GRCh38, 1-based): chr14:102,974,064-102,974,072, CAGCCCCCG deleted on the plus strand (CGGGGGCTG on the coding strand, the reverse complement: CDC42BPB is on the minus strand); deleting any 9 consecutive bases within chr14:102,974,064-102,974,077 gives the same sequence; the c. name uses the placement nearest the transcript's 3' end. VCF-style (leftmost placement, unchanged base first): chr14-102974063-CCAGCCCCCG-C. GRCh37 (hg19) VCF-style: chr14-103440400-CCAGCCCCCG-C.
Other names: c.1580_1588delGGCTGCGGG, p.Arg529_Leu531del (NM_001411054.1); c.1585_1593del9 (NM_006035.3).
Identifiers: ClinVar variation 2439854 (VCV002439854.4), dbSNP rs774881145, ClinGen allele CA7361335.

ClinVar aggregate classification (germline): Uncertain significance. Review status: criteria provided, multiple submitters, no conflicts (2 of 4 stars). 2 submissions from 2 submitters: Uncertain significance (2). Last evaluated 2025-08-24.

Conditions:
Chilton-Okur-Chung neurodevelopmental syndrome (CHOCNS). Identifiers: MedGen C5677022, MONDO:0859239, OMIM 619841.
CDC42BPB-related disorder.

Submissions (2):

PreventionGenetics, part of Exact Sciences
Classification: Uncertain significance for CDC42BPB-related condition. Last evaluated: 2025-08-24. Review status: criteria provided, single submitter. Criteria: ACMG Guidelines, 2015. Collection method: clinical testing. Allele origin: germline.
Comment: The CDC42BPB c.1585_1593del9 variant is predicted to result in an in-frame deletion (p.Arg529_Leu531del). To our knowledge, this variant has not been reported in the literature. This variant is reported in 0.0099% of alleles in individuals of Ashkenazi Jewish descent in gnomAD. At this time, the clinical significance of this variant is uncertain due to the absence of conclusive functional and genetic evidence.

Revvity Omics, Revvity
Classification: Uncertain significance for Chilton-Okur-Chung neurodevelopmental syndrome. Last evaluated: 2021-11-22. Review status: criteria provided, single submitter. Criteria: ACMG Guidelines, 2015. Collection method: clinical testing. Allele origin: germline.